The following is an entry in ClinVar:

ClinVar aggregate classification (germline): Benign/Likely benign. Review status: criteria provided, multiple submitters, no conflicts (2 of 4 stars). 3 submissions from 3 submitters: Benign (1); Likely benign (1). 1 of the submissions does not count toward it. Last evaluated 2019-05-28.

Conditions:
TBX22-related disorder. Also called: TBX22-related condition.
Cleft palate with or without ankyloglossia, X-linked. Identifiers: Orphanet 324601, MedGen C1844830, MONDO:0010560, OMIM 303400.

Allele frequency attached by ClinVar (database versions not stated): 1000 Genomes Project 30x 0.00395; TOPMed 0.00534.
gnomAD v4.1: 1,048 of 1,208,653 alleles (0.087%); highest among the groups gnomAD compares: African/African-American, 1.6%; 6 homozygotes.

Submissions (3):

Mendelics
Classification: Benign for Cleft palate with or without ankyloglossia, X-linked. Last evaluated: 2019-05-28. Review status: criteria provided, single submitter. Criteria: Mendelics Assertion Criteria 2017. Collection method: clinical testing. Allele origin: unknown.

Breakthrough Genomics
Classification: Likely benign. Review status: criteria provided, single submitter. Criteria: ACMG Guidelines, 2015. Collection method: not provided. Allele origin: germline. Inheritance: X-linked inheritance. Affected: yes.

PreventionGenetics, part of Exact Sciences
Classification: Benign for TBX22-related condition. Last evaluated: 2019-08-15. Review status: no assertion criteria provided. Collection method: clinical testing. Allele origin: germline. Not counted in ClinVar's aggregate classification.
Comment: This variant is classified as benign based on ACMG/AMP sequence variant interpretation guidelines (Richards et al. 2015 PMID: 25741868, with internal and published modifications).

NM_001109878.2(TBX22):c.-2-7C>G

Gene: TBX22 (T-box transcription factor 22). Cytogenetic location: Xq21.1.
Variant type: single nucleotide variant.
Coding change: c.-2-7C>G on transcript NM_001109878.2 (MANE Select); 7 bases into the intron before 2 bases upstream of the start codon, C replaced by G.
Molecular consequence: intron variant. On other transcripts: 5 prime UTR variant (1).
Genome position (GRCh38, 1-based): chrX:80,022,261, C>G. VCF-style: chrX-80022261-C-G. GRCh37 (hg19) VCF-style: chrX-79277760-C-G.
Other names: c.-9C>G (NM_016954.2); c.-358-7C>G (NM_001109879.2); c.-2-7C>G (NM_001109878.1).
Identifiers: ClinVar variation 804041 (VCV000804041.4), dbSNP rs185298778, ClinGen allele CA10461135.
Genomic context (GRCh38, chrX:80,022,261, plus strand): 5'-TCCCCCTCCCTCCCTAACCCAGTTCAGGTTGAAACTTTGCTGCAAAGAATCCCTTCACCC[C>G]CTCCAGGGATGGCTCTGAGCTCTCGGGCGCGTGCCTTCTCCGTGGAAGCCTTGGTGGGGA-3'